The following is an entry in ClinVar:

ClinVar aggregate classification (germline): Uncertain significance (1 of 4 stars; one submission).

Allele frequency attached by ClinVar (database versions not stated): gnomAD exomes below 0.00001.

Submission:

Labcorp Genetics (formerly Invitae), Labcorp
Classification: Uncertain significance. Last evaluated: 2022-03-23. Review status: criteria provided, single submitter. Criteria: Invitae Variant Classification Sherloc (09022015). Collection method: clinical testing. Allele origin: germline.
Comment: This sequence change replaces threonine, which is neutral and polar, with serine, which is neutral and polar, at codon 202 of the ZFP57 protein (p.Thr202Ser). This variant is not present in population databases (gnomAD no frequency). In summary, the available evidence is currently insufficient to determine the role of this variant in disease. Therefore, it has been classified as a Variant of Uncertain Significance. Algorithms developed to predict the effect of missense changes on protein structure and function are either unavailable or do not agree on the potential impact of this missense change (SIFT: "Not Available"; PolyPhen-2: "Benign"; Align-GVGD: "Not Available"). This variant has not been reported in the literature in individuals affected with ZFP57-related conditions.

NM_001109809.5(ZFP57):c.605C>G (p.Thr202Ser)

Gene: ZFP57 (ZFP57 zinc finger protein; minus strand). Cytogenetic location: 6p22.1.
Variant type: single nucleotide variant.
Coding change: c.605C>G on transcript NM_001109809.5 (MANE Select); coding-DNA position 605, C replaced by G.
Protein change: p.Thr202Ser; replaces threonine 202 with serine.
Molecular consequence: missense variant.
Genome position (GRCh38, 1-based): chr6:29,673,506, G>C on the plus strand (C>G on the coding strand, the complement: ZFP57 is on the minus strand). VCF-style: chr6-29673506-G-C. GRCh37 (hg19) VCF-style: chr6-29641283-G-C.
Other names: c.389C>G, p.Thr130Ser (NM_001366333.2); short protein forms T202S, T130S.
Identifiers: ClinVar variation 1966356 (VCV001966356.5), dbSNP rs771584295, ClinGen allele CA363046235.